The following is an entry in ClinVar:

NM_001844.5(COL2A1):c.1266+7G>A

Gene: COL2A1 (collagen type II alpha 1 chain; minus strand). Cytogenetic location: 12q13.11.
Variant type: single nucleotide variant.
Coding change: c.1266+7G>A on transcript NM_001844.5 (MANE Select); 7 bases into the intron after coding-DNA position 1266, G replaced by A.
Molecular consequence: intron variant.
Genome position (GRCh38, 1-based): chr12:47,987,262, C>T on the plus strand (G>A on the coding strand, the complement: COL2A1 is on the minus strand). VCF-style: chr12-47987262-C-T. GRCh37 (hg19) VCF-style: chr12-48381045-C-T.
Other names: p.?; c.1059+7G>A (NM_033150.3).
Identifiers: ClinVar variation 258208 (VCV000258208.37), dbSNP rs41317915, ClinGen allele CA6535553.

ClinVar aggregate classification (germline): Benign/Likely benign. Review status: criteria provided, multiple submitters, no conflicts (2 of 4 stars). 16 submissions from 15 submitters: Benign (11); Likely benign (2). 3 of the submissions do not count toward it. Last evaluated 2026-05-11.

Conditions:
Stickler syndrome type 1 (STL1). Also called: ARTHROOPHTHALMOPATHY, HEREDITARY PROGRESSIVE; COL2A1-Related Stickler Syndrome; STICKLER SYNDROME, MEMBRANOUS VITREOUS TYPE; STICKLER SYNDROME, VITREOUS TYPE 1. Identifiers: Orphanet 828, Orphanet 90653, MedGen C2020284, MONDO:0007160, OMIM 108300.
Type 2 collagenopathy. Identifiers: Orphanet 93421, MedGen C2931073, MONDO:0022800.
Achondrogenesis type II (ACG2). Also called: CHONDROGENESIS IMPERFECTA; ACHONDROGENESIS, LANGER-SALDINO TYPE. Identifiers: Orphanet 932, Orphanet 93296, MedGen C0220685, MONDO:0008702, OMIM 200610.
Namaqualand hip dysplasia (OSCDP). Also called: Mild spondyloepiphyseal dysplasia due to COL2A1 mutation with early-onset osteoarthritis. Identifiers: Orphanet 93279, MedGen C0432214, MONDO:0011496, OMIM 604864.
Spondyloepiphyseal dysplasia with metatarsal shortening. Also called: Pseudorheumatoid dysplasia progressive, with hypoplastic toes; CZECH DYSPLASIA, METATARSAL TYPE; SPONDYLOEPIPHYSEAL DYSPLASIA WITH PRECOCIOUS OSTEOARTHRITIS. Identifiers: Orphanet 137678, MedGen C1836683, MONDO:0012206, OMIM 609162.
Spondyloepiphyseal dysplasia congenita (SEDC). Also called: SED CONGENITA; SPONDYLOEPIPHYSEAL DYSPLASIA, CONGENITAL TYPE. Identifiers: Orphanet 94068, MedGen C2745959, MONDO:0008471, OMIM 183900.
Platyspondylic dysplasia, Torrance type (PLSDT). Identifiers: Orphanet 85166, MedGen C1835437, MONDO:0007895, OMIM 151210.
Spondylometaphyseal dysplasia - Sutcliffe type. Also called: Sutcliffe type of spondylometaphyseal dysplasia; Sutcliffe SMD; Spondylometaphyseal Dysplasia, Corner Fracture Type; Spondylometaphyseal dysplasia, 'corner fracture' type. Identifiers: Orphanet 93315, MedGen C0432221, MONDO:0008479, OMIM 184255.
Spondyloepimetaphyseal dysplasia, Strudwick type (SEMDSTWK). Also called: DAPPLED METAPHYSIS SYNDROME; STRUDWICK SYNDROME. Identifiers: Orphanet 93346, MedGen C0700635, MONDO:0008476, OMIM 184250.
Avascular necrosis of femoral head, primary, 1 (ANFH1). Also called: Avascular necrosis of femoral head, primary. Identifiers: Orphanet 86820, MedGen C4551562, MONDO:0054550, OMIM 608805.
Kniest dysplasia. Identifiers: Orphanet 485, MedGen C0265279, MONDO:0007987, OMIM 156550.
Stickler syndrome, type I, nonsyndromic ocular. Also called: STICKLER SYNDROME, ATYPICAL; STICKLER SYNDROME, TYPE I, PREDOMINANTLY OCULAR. Identifiers: MedGen C1836080, MONDO:0012287, OMIM 609508.
Vitreoretinopathy with phalangeal epiphyseal dysplasia (VPED). Identifiers: MedGen C1852989, MONDO:0031001, OMIM 619248.
Multiple epiphyseal dysplasia, Beighton type. Identifiers: Orphanet 166011, MedGen C1851536, MONDO:0007562, OMIM 132450.
Legg-Calve-Perthes disease. Also called: Osteochondritis deformans; Coxa plana; Avascular necrosis of the capital femoral epiphysis; PERTHES DISEASE. Identifiers: Orphanet 2380, MedGen C1442965, MONDO:0007885, OMIM 150600, HP:0005743.
Spondyloperipheral dysplasia. Also called: SPONDYLOPERIPHERAL DYSPLASIA WITH SHORT ULNA; Spondyloperipheral dysplasia-short ulna syndrome. Identifiers: Orphanet 1856, MedGen C0796173, MONDO:0010078, OMIM 271700.
Spondyloepiphyseal dysplasia, Stanescu type. Also called: SED, STANESCU TYPE; SPONDYLOEPIMETAPHYSEAL DYSPLASIA, STANESCU TYPE. Identifiers: Orphanet 459051, MedGen C4225273, MONDO:0014701, OMIM 616583.
Connective tissue disorder. Also called: Connective tissue disease. Identifiers: MedGen C0009782, MONDO:0003900.

Allele frequency attached by ClinVar (database versions not stated): 1000 Genomes Project 30x 0.00750; 1000 Genomes Project 0.00819; TOPMed 0.01310; ExAC 0.01314; gnomAD 0.01359 and 0.01362; gnomAD exomes 0.01361 and 0.01626; ESP Exome Variant Server 0.01476.
gnomAD v4.1: 25,841 of 1,614,042 alleles (1.6%); highest among the groups gnomAD compares: Middle Eastern, 2.9%; 245 homozygotes.

Submissions (16):

Women's Health and Genetics/Laboratory Corporation of America, LabCorp
Classification: Benign. Last evaluated: 2026-05-11. Review status: criteria provided, single submitter. Criteria: LabCorp Variant Classification Summary - May 2015. Collection method: clinical testing. Allele origin: germline.

Labcorp Genetics (formerly Invitae), Labcorp
Classification: Benign. Last evaluated: 2026-02-04. Review status: criteria provided, single submitter. Criteria: Invitae Variant Classification Sherloc (09022015). Collection method: clinical testing. Allele origin: germline.

ARUP Laboratories, Molecular Genetics and Genomics, ARUP Laboratories
Classification: Benign. Last evaluated: 2025-03-07. Review status: criteria provided, single submitter. Criteria: ARUP Molecular Germline Variant Investigation Process 2024. Collection method: clinical testing. Allele origin: germline.

Blueprint Genetics
Classification: Likely benign. Last evaluated: 2024-11-27. Review status: criteria provided, single submitter. Criteria: ACMG Guidelines, 2015. Collection method: clinical testing. Allele origin: germline.

Genome Diagnostics Laboratory, The Hospital for Sick Children
Classification: Benign for Connective tissue disorder. Last evaluated: 2022-04-23. Review status: criteria provided, single submitter. Criteria: ACMG Guidelines, 2015. Collection method: clinical testing. Allele origin: germline.

Fulgent Genetics
Classification: Likely benign for Stickler syndrome type 1; Multiple epiphyseal dysplasia, Beighton type; Legg-Calve-Perthes disease; Platyspondylic dysplasia, Torrance type; Kniest dysplasia; Spondyloepiphyseal dysplasia congenita; Spondyloepimetaphyseal dysplasia, Strudwick type; Spondylometaphyseal dysplasia - Sutcliffe type; Achondrogenesis type II; Spondyloperipheral dysplasia; Namaqualand hip dysplasia; Avascular necrosis of femoral head, primary, 1; Spondyloepiphyseal dysplasia with metatarsal shortening; Stickler syndrome, type I, nonsyndromic ocular; Spondyloepiphyseal dysplasia, Stanescu type; Vitreoretinopathy with phalangeal epiphyseal dysplasia. Last evaluated: 2021-11-10. Review status: criteria provided, single submitter. Criteria: ACMG Guidelines, 2015. Collection method: clinical testing. Allele origin: unknown.

Mayo Clinic Laboratories, Mayo Clinic
Classification: Benign. Last evaluated: 2021-08-06. Review status: criteria provided, single submitter. Criteria: ACMG Guidelines, 2015. Collection method: clinical testing. Allele origin: germline. Observed: 8 variant alleles.
Comment: BA1, BS2

Athena Diagnostics
Classification: Benign. Last evaluated: 2018-08-31. Review status: criteria provided, single submitter. Criteria: Athena Diagnostics Criteria. Collection method: clinical testing. Allele origin: germline.

Illumina Laboratory Services, Illumina
Classification: Benign for Type II Collagenopathies. Last evaluated: 2018-01-12. Review status: criteria provided, single submitter. Criteria: ICSL Variant Classification Criteria 13 December 2019. Collection method: clinical testing. Allele origin: germline.
Comment: This variant was observed in the ICSL laboratory as part of a predisposition screen in an ostensibly healthy population. It had not been previously curated by ICSL or reported in the Human Gene Mutation Database (HGMD: prior to June 1st, 2018), and was therefore a candidate for classification through an automated scoring system. Utilizing variant allele frequency, disease prevalence and penetrance estimates, and inheritance mode, an automated score was calculated to assess if this variant is too frequent to cause the disease. Based on the score and internal cut-off values, a variant classified as benign is not then subjected to further curation. The score for this variant resulted in a classification of benign for this disease.

Illumina Laboratory Services, Illumina
Classification: Benign for Stickler syndrome type 1. Last evaluated: 2018-01-12. Review status: criteria provided, single submitter. Criteria: ICSL Variant Classification Criteria 13 December 2019. Collection method: clinical testing. Allele origin: germline.
Comment: the same text as in the submission from Illumina Laboratory Services, Illumina above.

GeneDx
Classification: Benign. Last evaluated: 2016-05-18. Review status: criteria provided, single submitter. Criteria: GeneDx Variant Classification (06012015). Collection method: clinical testing. Allele origin: germline. Affected: yes.
Comment: This variant is considered likely benign or benign based on one or more of the following criteria: it is a conservative change, it occurs at a poorly conserved position in the protein, it is predicted to be benign by multiple in silico algorithms, and/or has population frequency not consistent with disease.

Breakthrough Genomics
Classification: Benign. Review status: criteria provided, single submitter. Criteria: ACMG Guidelines, 2015. Collection method: not provided. Allele origin: germline. Inheritance: Autosomal dominant inheritance. Affected: yes.

PreventionGenetics, part of Exact Sciences
Classification: Benign. Review status: criteria provided, single submitter. Criteria: ACMG Guidelines, 2015. Collection method: clinical testing. Allele origin: germline.

Clinical Genetics DNA and cytogenetics Diagnostics Lab, Erasmus MC, Erasmus Medical Center
Classification: Likely benign. Review status: no assertion criteria provided. Collection method: clinical testing. Allele origin: germline. Affected: yes. Study: VKGL Data-share Consensus. Not counted in ClinVar's aggregate classification.

Genome Diagnostics Laboratory, Amsterdam University Medical Center
Classification: Benign. Review status: no assertion criteria provided. Collection method: clinical testing. Allele origin: germline. Affected: yes. Study: VKGL Data-share Consensus. Not counted in ClinVar's aggregate classification.

Laboratory of Diagnostic Genome Analysis, Leiden University Medical Center (LUMC)
Classification: Benign. Review status: no assertion criteria provided. Collection method: clinical testing. Allele origin: germline. Affected: yes. Study: VKGL Data-share Consensus. Not counted in ClinVar's aggregate classification.

Literature cited by the submitters: PubMed 25504618 (cited by Athena Diagnostics).